The following is an entry in ClinVar:

NM_004999.4(MYO6):c.1852C>T (p.Arg618Trp)

Gene: MYO6 (myosin VI; plus strand). Cytogenetic location: 6q14.1.
Variant type: single nucleotide variant.
Coding change: c.1852C>T on transcript NM_004999.4 (MANE Select); coding-DNA position 1852, C replaced by T.
Protein change: p.Arg618Trp; replaces arginine 618 with tryptophan.
Molecular consequence: missense variant. On other transcripts: non-coding transcript variant (1).
Genome position (GRCh38, 1-based): chr6:75,867,013, C>T. VCF-style: chr6-75867013-C-T. GRCh37 (hg19) VCF-style: chr6-76576730-C-T.
Other names: c.1852C>T, p.Arg618Trp (NM_001300899.2, NM_001368136.1, NM_001368137.1 and 2 more transcripts); c.1837C>T, p.Arg613Trp (NM_001368138.1); short protein forms R618W, R613W.
Identifiers: ClinVar variation 2696997 (VCV002696997.3), dbSNP rs755596824, ClinGen allele CA3897226.
Genomic context (GRCh38, chr6:75,867,013, plus strand): 5'-AATGATGCTTTACATATGTCTCTTGAATCCTTAATATGTGAATCCAGAGATAAGTTTATA[C>T]GGGAATTATTTGAATCATCCACAAATAACAACAAAGATACTAAACAAAAAGCAGGAAAAC-3'
Protein context (NP_004990.3, residues 608-628): LICESRDKFI[Arg618Trp]ELFESSTNNN

ClinVar aggregate classification (germline): Uncertain significance (1 of 4 stars; one submission).

Allele frequency attached by ClinVar (database versions not stated): TOPMed 0.00001; ExAC 0.00002.
gnomAD v4.1: 15 of 1,613,176 alleles (0.00093%); highest among the groups gnomAD compares: East Asian, 0.0067%; no homozygotes.

Submission:

Labcorp Genetics (formerly Invitae), Labcorp
Classification: Uncertain significance. Last evaluated: 2023-10-29. Review status: criteria provided, single submitter. Criteria: Invitae Variant Classification Sherloc (09022015). Collection method: clinical testing. Allele origin: germline.
Comment: This sequence change replaces arginine, which is basic and polar, with tryptophan, which is neutral and slightly polar, at codon 618 of the MYO6 protein (p.Arg618Trp). This variant is present in population databases (rs755596824, gnomAD 0.01%). This variant has not been reported in the literature in individuals affected with MYO6-related conditions. Advanced modeling of protein sequence and biophysical properties (such as structural, functional, and spatial information, amino acid conservation, physicochemical variation, residue mobility, and thermodynamic stability) performed at Invitae indicates that this missense variant is not expected to disrupt MYO6 protein function with a negative predictive value of 80%. In summary, the available evidence is currently insufficient to determine the role of this variant in disease. Therefore, it has been classified as a Variant of Uncertain Significance.